The following is an entry in ClinVar:

NM_000388.4(CASR):c.1685_1686delinsCT (p.Cys562Ser)

Gene: CASR (calcium sensing receptor; plus strand). Cytogenetic location: 3q21.1.
Variant type: Indel.
Coding change: c.1685_1686delinsCT on transcript NM_000388.4 (MANE Select); coding-DNA positions 1685 to 1686, GC replaced by CT.
Protein change: p.Cys562Ser; replaces cysteine 562 with serine.
Molecular consequence: missense variant.
Genome position (GRCh38, 1-based): chr3:122,282,189-122,282,190, GC replaced by CT. VCF-style: chr3-122282189-GC-CT. GRCh37 (hg19) VCF-style: chr3-122001036-GC-CT.
Other names: c.1715_1716delinsCT, p.Cys572Ser (NM_001178065.2); short protein forms C562S, C572S.
Identifiers: ClinVar variation 35782 (VCV000035782.9), dbSNP rs193922427, ClinGen allele CA213571.

ClinVar aggregate classification (germline): Conflicting classifications of pathogenicity. Review status: criteria provided, conflicting classifications (1 of 4 stars). 2 submissions from 2 submitters: Likely pathogenic (1); Uncertain significance (1). Last evaluated 2026-01-25.

Conditions:
Familial hypocalciuric hypercalcemia (FHH). Also called: Familial benign hypercalcemia. Identifiers: Orphanet 405, MedGen C1809471, MONDO:0018458.
Autosomal dominant hypocalcemia 1 (HYPOC1). Also called: HYPOCALCEMIA, FAMILIAL. Identifiers: MedGen C3715128, MONDO:0011013, OMIM 601198.

Submissions (2):

Labcorp Genetics (formerly Invitae), Labcorp
Classification: Uncertain significance for Familial hypocalciuric hypercalcemia; Autosomal dominant hypocalcemia 1. Last evaluated: 2026-01-25. Review status: criteria provided, single submitter. Criteria: Invitae Variant Classification Sherloc (09022015). Collection method: clinical testing. Allele origin: germline.
Comment: This sequence change replaces cysteine, which is neutral and slightly polar, with serine, which is neutral and polar, at codon 562 of the CASR protein (p.Cys562Ser). Information on the frequency of this variant in the gnomAD database is not available, as this variant may be reported differently in the database. This variant has not been reported in the literature in individuals affected with CASR-related conditions. ClinVar contains an entry for this variant (Variation ID: 35782). An algorithm developed to predict the effect of missense changes on protein structure and function (PolyPhen-2) suggests that this variant is likely to be disruptive. In summary, the available evidence is currently insufficient to determine the role of this variant in disease. Therefore, it has been classified as a Variant of Uncertain Significance.

Women's Health and Genetics/Laboratory Corporation of America, LabCorp
Classification: Likely pathogenic for Familial Hypocalciuric Hypercalcemia. Last evaluated: 2011-08-18. Review status: criteria provided, single submitter. Criteria: LabCorp Variant Classification Summary - May 2015. Collection method: curation, clinical testing. Allele origin: germline. Inheritance: autosomal unknown. Affected: yes.
ClinVar note: Converted during submission from likely pathogenic to Likely pathogenic.